The following is an entry in ClinVar:

NM_012309.5(SHANK2):c.4972G>A (p.Ala1658Thr)

Gene: SHANK2 (SH3 and multiple ankyrin repeat domains 2; minus strand). Cytogenetic location: 11q13.3.
Variant type: single nucleotide variant.
Coding change: c.4972G>A on transcript NM_012309.5 (MANE Select); coding-DNA position 4972, G replaced by A.
Protein change: p.Ala1658Thr; replaces alanine 1658 with threonine.
Molecular consequence: missense variant.
Genome position (GRCh38, 1-based): chr11:70,485,321, C>T on the plus strand (G>A on the coding strand, the complement: SHANK2 is on the minus strand). VCF-style: chr11-70485321-C-T. GRCh37 (hg19) VCF-style: chr11-70331426-C-T.
Other names: c.3835G>A, p.Ala1279Thr (NM_001379226.1); c.5092G>A, p.Ala1698Thr (NM_001441024.1); c.4921G>A, p.Ala1641Thr (NM_001441025.1, NM_001441026.1, NM_001441027.1 and 8 more transcripts); c.4894G>A, p.Ala1632Thr (NM_001441035.1, NM_001441036.1, NM_001441037.1); c.4849G>A, p.Ala1617Thr (NM_001441038.1); c.3805G>A, p.Ala1269Thr (NM_001441040.1); c.3757G>A, p.Ala1253Thr (NM_001441041.1); c.3199G>A, p.Ala1067Thr (NM_001441042.1); and 6 more; short protein forms A1053T, A1632T, A1026T, A1067T, A1253T, A1279T, A1658T, A1044T.
Identifiers: ClinVar variation 4977684 (VCV004977684.1).

ClinVar aggregate classification (germline): Uncertain significance (1 of 4 stars; one submission).

Conditions:
SHANK2-related disorder.

gnomAD v4.1: 55 of 1,613,760 alleles (0.0034%); highest among the groups gnomAD compares: Admixed American, 0.058%; no homozygotes.

Submission:

PreventionGenetics, part of Exact Sciences
Classification: Uncertain significance for SHANK2-related condition. Last evaluated: 2026-01-07. Review status: criteria provided, single submitter. Criteria: ACMG Guidelines, 2015. Collection method: clinical testing. Allele origin: germline.
Comment: The SHANK2 c.4972G>A variant is predicted to result in the amino acid substitution p.Ala1658Thr. To our knowledge, this variant has not been reported in the literature. This variant is reported in 0.011% of alleles in individuals of East Asian descent in gnomAD, including 55 heterozygotes in the larger gnomAD v4.1.0 database. While we suspect this variant may be benign, at this time the clinical significance of this variant is uncertain due to the absence of conclusive functional and genetic evidence.